The following is an entry in ClinVar:

ClinVar aggregate classification (germline): Likely benign (1 of 4 stars; one submission).

gnomAD v4.1: 7 of 1,609,290 alleles (0.00043%); highest among the groups gnomAD compares: Non-Finnish European, 0.00059%; no homozygotes.

Submission:

CeGaT Center for Human Genetics Tuebingen
Classification: Likely benign. Last evaluated: 2022-07-01. Review status: criteria provided, single submitter. Criteria: CeGaT Center For Human Genetics Tuebingen Variant Classification Criteria Version 2. Collection method: clinical testing. Allele origin: germline. Affected: yes. Observed: 1 variant allele.
Comment: KDF1: PM2:Supporting, BP4, BP7

NM_152365.3(KDF1):c.486C>T (p.Pro162=)

Gene: KDF1 (keratinocyte differentiation factor 1; minus strand). Cytogenetic location: 1p36.11.
Variant type: single nucleotide variant.
Coding change: c.486C>T on transcript NM_152365.3 (MANE Select); coding-DNA position 486, C replaced by T.
Protein change: p.Pro162=; no amino-acid change (proline 162 retained).
Molecular consequence: synonymous variant.
Genome position (GRCh38, 1-based): chr1:26,951,895, G>A on the plus strand (C>T on the coding strand, the complement: KDF1 is on the minus strand). VCF-style: chr1-26951895-G-A. GRCh37 (hg19) VCF-style: chr1-27278386-G-A.
Identifiers: ClinVar variation 2638550 (VCV002638550.24), dbSNP rs899673096, ClinGen allele CA19804482.
Genomic context (GRCh38, chr1:26,951,895, plus strand): 5'-AGGGGCTGGGGAGGTGGCCCTCGGGTAGGGATACACAGGGATGCCTTTGAGCTTAACATC[G>A]GGGTAGCTGAAGCTGCTGCCCATGGTTGACTTGAGCCGCTGGCCATCCCGCCGGCTGGGG-3'
Protein context (NP_689578.2, residues 152-172): KSTMGSSFSY[Pro162=]DVKLKGIPVY